The following is an entry in ClinVar:

NM_033380.3(COL4A5):c.4258C>G (p.Pro1420Ala)

Gene: COL4A5 (collagen type IV alpha 5 chain; plus strand). Cytogenetic location: Xq22.3.
Variant type: single nucleotide variant.
Coding change: c.4258C>G on transcript NM_033380.3 (MANE Select); coding-DNA position 4258, C replaced by G.
Protein change: p.Pro1420Ala; replaces proline 1420 with alanine.
Molecular consequence: missense variant.
Genome position (GRCh38, 1-based): chrX:108,686,072, C>G. VCF-style: chrX-108686072-C-G. GRCh37 (hg19) VCF-style: chrX-107929302-C-G.
Other names: c.4240C>G, p.Pro1414Ala (NM_000495.5); short protein forms P1414A, P1420A.
Identifiers: ClinVar variation 2661168 (VCV002661168.27), dbSNP rs1340537647, ClinGen allele CA413853574.

ClinVar aggregate classification (germline): Uncertain significance. Review status: criteria provided, multiple submitters, no conflicts (2 of 4 stars). 2 submissions from 2 submitters: Uncertain significance (2). Last evaluated 2023-09-26.

Submissions (2):

Labcorp Genetics (formerly Invitae), Labcorp
Classification: Uncertain significance. Last evaluated: 2023-09-26. Review status: criteria provided, single submitter. Criteria: Invitae Variant Classification Sherloc (09022015). Collection method: clinical testing. Allele origin: germline.
Comment: In summary, the available evidence is currently insufficient to determine the role of this variant in disease. Therefore, it has been classified as a Variant of Uncertain Significance. Advanced modeling of protein sequence and biophysical properties (such as structural, functional, and spatial information, amino acid conservation, physicochemical variation, residue mobility, and thermodynamic stability) has been performed at Invitae for this missense variant, however the output from this modeling did not meet the statistical confidence thresholds required to predict the impact of this variant on COL4A5 protein function. This variant has not been reported in the literature in individuals affected with COL4A5-related conditions. This variant is not present in population databases (gnomAD no frequency). This sequence change replaces proline, which is neutral and non-polar, with alanine, which is neutral and non-polar, at codon 1414 of the COL4A5 protein (p.Pro1414Ala).

CeGaT Center for Human Genetics Tuebingen
Classification: Uncertain significance. Last evaluated: 2022-06-01. Review status: criteria provided, single submitter. Criteria: CeGaT Center For Human Genetics Tuebingen Variant Classification Criteria Version 2. Collection method: clinical testing. Allele origin: germline. Affected: yes. Observed: 1 variant allele.
Comment: COL4A5: PM2